The following is an entry in ClinVar:

ClinVar aggregate classification (germline): Uncertain significance. Review status: criteria provided, multiple submitters, no conflicts (2 of 4 stars). 3 submissions from 3 submitters: Uncertain significance (3). Last evaluated 2025-08-08.

Conditions:
Hereditary cancer-predisposing syndrome. Also called: Hereditary neoplastic syndrome; Tumor predisposition; Hereditary Cancer Syndrome; Neoplastic Syndromes, Hereditary. Identifiers: Orphanet 140162, MedGen C0027672, MeSH D009386, MONDO:0015356.
Lymphangiomyomatosis (LAM). Also called: Lymphangioleiomyomatosis; Lymphangioleiomyomatosis, somatic. Identifiers: Orphanet 538, MedGen C0751674, MONDO:0011705, OMIM 606690.
Tuberous sclerosis 1 (TSC1). Identifiers: Orphanet 805, MedGen C1854465, MONDO:0008612, OMIM 191100.
Isolated focal cortical dysplasia type II (FCORD2). Also called: CORTICAL DYSPLASIA OF TAYLOR; Focal cortical dysplasia type II. Identifiers: Orphanet 268994, MedGen C1846385, MONDO:0011818, OMIM 607341, HP:0032051.

Submissions (3):

Ambry Genetics
Classification: Uncertain significance for Hereditary cancer-predisposing syndrome. Last evaluated: 2025-08-08. Review status: criteria provided, single submitter. Criteria: Ambry Variant Classification Scheme 2023. Collection method: clinical testing. Allele origin: germline.
Comment: The p.P311S variant (also known as c.931C>T), located in coding exon 8 of the TSC1 gene, results from a C to T substitution at nucleotide position 931. The proline at codon 311 is replaced by serine, an amino acid with similar properties. This amino acid position is highly conserved in available vertebrate species. In addition, this alteration is predicted to be deleterious by in silico analysis. Based on the available evidence, the clinical significance of this variant remains unclear.

Labcorp Genetics (formerly Invitae), Labcorp
Classification: Uncertain significance for Tuberous sclerosis 1. Last evaluated: 2022-10-27. Review status: criteria provided, single submitter. Criteria: Invitae Variant Classification Sherloc (09022015). Collection method: clinical testing. Allele origin: germline.
Comment: In summary, the available evidence is currently insufficient to determine the role of this variant in disease. Therefore, it has been classified as a Variant of Uncertain Significance. Advanced modeling of protein sequence and biophysical properties (such as structural, functional, and spatial information, amino acid conservation, physicochemical variation, residue mobility, and thermodynamic stability) performed at Invitae indicates that this missense variant is not expected to disrupt TSC1 protein function. This sequence change replaces proline, which is neutral and non-polar, with serine, which is neutral and polar, at codon 311 of the TSC1 protein (p.Pro311Ser). This variant is not present in population databases (gnomAD no frequency). This variant has not been reported in the literature in individuals affected with TSC1-related conditions.

Juno Genomics, Hangzhou Juno Genomics, Inc
Classification: Uncertain significance for Isolated focal cortical dysplasia type II; Lymphangiomyomatosis; Tuberous sclerosis 1. Review status: criteria provided, single submitter. Criteria: ACMG Guidelines, 2015. Collection method: clinical testing. Allele origin: germline.
Comment: Absent from controls (or at extremely low frequency if recessive) in Genome Aggregation Database.;Multiple lines of computational evidence support a deleterious effect on the gene or gene product.;Missense variant in a gene that has a low rate of benign missense variation.

NM_000368.5(TSC1):c.931C>T (p.Pro311Ser)

Gene: TSC1 (TSC complex subunit 1; minus strand). Cytogenetic location: 9q34.13.
Variant type: single nucleotide variant.
Coding change: c.931C>T on transcript NM_000368.5 (MANE Select); coding-DNA position 931, C replaced by T.
Protein change: p.Pro311Ser; replaces proline 311 with serine.
Molecular consequence: missense variant. On other transcripts: 5 prime UTR variant (5), non-coding transcript variant (5).
Genome position (GRCh38, 1-based): chr9:132,911,551, G>A on the plus strand (C>T on the coding strand, the complement: TSC1 is on the minus strand). VCF-style: chr9-132911551-G-A. GRCh37 (hg19) VCF-style: chr9-135786938-G-A.
Other names: c.931C>T, p.Pro311Ser (NM_001406607.1, NM_001406608.1, NM_001406609.1 and 16 more transcripts); c.778C>T, p.Pro260Ser (NM_001406610.1, NM_001406611.1, NM_001406612.1 and 2 more transcripts); c.568C>T, p.Pro190Ser (NM_001406614.1, NM_001406615.1, NM_001406616.1 and 10 more transcripts); c.-21C>T (NM_001406626.1, NM_001406627.1, NM_001406628.1); c.-163C>T (NM_001406629.1, NM_001406630.1); short protein forms P311S, P190S, P260S.
Identifiers: ClinVar variation 2919123 (VCV002919123.6), dbSNP rs1332186256, ClinGen allele CA375368728.
Genomic context (GRCh38, chr9:132,911,551, plus strand): 5'-TCAGAGTCTGAGGTAGCTGCCCTGGCATATTTAACAACATCAGCCGAGACGTGGAGTAAG[G>A]GGTAGAAGTAGCACACCCTAAAATGGAAGAGAAGAACACAGGGGGTTAGTGTGTGGTTTT-3'
Protein context (NP_000359.1, residues 301-321): QNSYGCATST[Pro311Ser]YSTSRLMLLN